The following is an entry in ClinVar:

ClinVar aggregate classification (germline): Uncertain significance. Review status: criteria provided, multiple submitters, no conflicts (2 of 4 stars). 2 submissions from 2 submitters: Uncertain significance (2). Last evaluated 2025-05-06.

Conditions:
Cardiovascular phenotype. Identifiers: MedGen CN230736.
Long QT syndrome (LQTS). Identifiers: MedGen C0023976, MeSH D008133, MONDO:0002442. Disease mechanism: loss of function. Inheritance: Various modes of inheritance.

gnomAD v4.1: 10 of 1,614,072 alleles (0.00062%); highest among the groups gnomAD compares: Non-Finnish European, 0.00076%; no homozygotes.

Submissions (2):

Ambry Genetics
Classification: Uncertain significance for Cardiovascular phenotype. Last evaluated: 2025-05-06. Review status: criteria provided, single submitter. Criteria: Ambry Variant Classification Scheme 2023. Collection method: clinical testing. Allele origin: germline.
Comment: The p.R3294G variant (also known as c.9880C>G), located in coding exon 41 of the AKAP9 gene, results from a C to G substitution at nucleotide position 9880. The arginine at codon 3294 is replaced by glycine, an amino acid with dissimilar properties. This amino acid position is well conserved in available vertebrate species. In addition, this alteration is predicted to be tolerated by in silico analysis. The evidence for this gene-disease relationship is limited; therefore, the clinical significance of this alteration is unclear.

Labcorp Genetics (formerly Invitae), Labcorp
Classification: Uncertain significance for Long QT syndrome. Last evaluated: 2022-03-18. Review status: criteria provided, single submitter. Criteria: Invitae Variant Classification Sherloc (09022015). Collection method: clinical testing. Allele origin: germline.
Comment: Algorithms developed to predict the effect of missense changes on protein structure and function are either unavailable or do not agree on the potential impact of this missense change (SIFT: "Deleterious"; PolyPhen-2: "Probably Damaging"; Align-GVGD: "Class C0"). ClinVar contains an entry for this variant (Variation ID: 958011). This variant has not been reported in the literature in individuals affected with AKAP9-related conditions. This variant is not present in population databases (gnomAD no frequency). This sequence change replaces arginine, which is basic and polar, with glycine, which is neutral and non-polar, at codon 3294 of the AKAP9 protein (p.Arg3294Gly). In summary, the available evidence is currently insufficient to determine the role of this variant in disease. Therefore, it has been classified as a Variant of Uncertain Significance.

NM_005751.5(AKAP9):c.9880C>G (p.Arg3294Gly)

Gene: AKAP9 (A-kinase anchoring protein 9; plus strand). Cytogenetic location: 7q21.2.
Variant type: single nucleotide variant.
Coding change: c.9880C>G on transcript NM_005751.5 (MANE Select); coding-DNA position 9880, C replaced by G.
Protein change: p.Arg3294Gly; replaces arginine 3294 with glycine.
Molecular consequence: missense variant.
Genome position (GRCh38, 1-based): chr7:92,096,839, C>G. VCF-style: chr7-92096839-C-G. GRCh37 (hg19) VCF-style: chr7-91726153-C-G.
Other names: c.4525C>G, p.Arg1509Gly (NM_001379277.1); c.9856C>G, p.Arg3286Gly (NM_147185.3); short protein forms R1509G, R3286G, R3294G.
Identifiers: ClinVar variation 958011 (VCV000958011.10), dbSNP rs145355395, ClinGen allele CA368151802.